The following is an entry in ClinVar:

NM_006231.4(POLE):c.5455A>T (p.Met1819Leu)

Gene: POLE (DNA polymerase epsilon, catalytic subunit; minus strand). Cytogenetic location: 12q24.33.
Variant type: single nucleotide variant.
Coding change: c.5455A>T on transcript NM_006231.4 (MANE Select); coding-DNA position 5455, A replaced by T.
Protein change: p.Met1819Leu; replaces methionine 1819 with leucine.
Molecular consequence: missense variant.
Genome position (GRCh38, 1-based): chr12:132,639,222, T>A on the plus strand (A>T on the coding strand, the complement: POLE is on the minus strand). VCF-style: chr12-132639222-T-A. GRCh37 (hg19) VCF-style: chr12-133215808-T-A.
Other names: short protein forms M1819L.
Identifiers: ClinVar variation 3422102 (VCV003422102.1).

ClinVar aggregate classification (germline): Uncertain significance (1 of 4 stars; one submission).

Conditions:
Hereditary cancer-predisposing syndrome. Also called: Neoplastic Syndromes, Hereditary; Tumor predisposition; Hereditary Cancer Syndrome; Hereditary neoplastic syndrome. Identifiers: Orphanet 140162, MedGen C0027672, MeSH D009386, MONDO:0015356.

Submission:

Ambry Genetics
Classification: Uncertain significance for Hereditary cancer-predisposing syndrome. Last evaluated: 2024-06-30. Review status: criteria provided, single submitter. Criteria: Ambry Variant Classification Scheme 2023. Collection method: clinical testing. Allele origin: germline.
Comment: The p.M1819L variant (also known as c.5455A>T), located in coding exon 40 of the POLE gene, results from an A to T substitution at nucleotide position 5455. The methionine at codon 1819 is replaced by leucine, an amino acid with highly similar properties. This amino acid position is conserved. In addition, this alteration is predicted to be tolerated by in silico analysis. Based on the available evidence, the clinical significance of this variant remains unclear.